The following is an entry in ClinVar:

ClinVar aggregate classification (germline): Uncertain significance (0 of 4 stars; one submission).

Conditions:
NCOA1-related disorder. Also called: NCOA1-related condition.

gnomAD v4.1: 4 of 1,613,912 alleles (0.00025%); highest among the groups gnomAD compares: Non-Finnish European, 0.00034%; no homozygotes.

Submission:

PreventionGenetics, part of Exact Sciences
Classification: Uncertain significance for NCOA1-related condition. Last evaluated: 2024-07-09. Review status: no assertion criteria provided. Collection method: clinical testing. Allele origin: germline.
Comment: The NCOA1 c.1153C>G variant is predicted to result in the amino acid substitution p.Arg385Gly. To our knowledge, this variant has not been reported in the literature. This variant is reported in 0.00088% of alleles in individuals of European (Non-Finnish) descent in gnomAD. At this time, the clinical significance of this variant is uncertain due to the absence of conclusive functional and genetic evidence.

NM_003743.5(NCOA1):c.1153C>G (p.Arg385Gly)

Gene: NCOA1 (nuclear receptor coactivator 1; plus strand). Cytogenetic location: 2p23.3.
Variant type: single nucleotide variant.
Coding change: c.1153C>G on transcript NM_003743.5 (MANE Select); coding-DNA position 1153, C replaced by G.
Protein change: p.Arg385Gly; replaces arginine 385 with glycine.
Molecular consequence: missense variant.
Genome position (GRCh38, 1-based): chr2:24,706,623, C>G. VCF-style: chr2-24706623-C-G. GRCh37 (hg19) VCF-style: chr2-24929492-C-G.
Other names: c.1153C>G, p.Arg385Gly (NM_001362950.1, NM_001362952.1, NM_001362954.1 and 3 more transcripts); short protein forms R385G.
Identifiers: ClinVar variation 3348121 (VCV003348121.1).